The following is an entry in ClinVar:

NM_001374736.1(DST):c.20924C>T (p.Thr6975Ile)

Gene: DST (dystonin; minus strand). Cytogenetic location: 6p12.1.
Variant type: single nucleotide variant.
Coding change: c.20924C>T on transcript NM_001374736.1 (MANE Select); coding-DNA position 20924, C replaced by T.
Protein change: p.Thr6975Ile; replaces threonine 6975 with isoleucine.
Molecular consequence: missense variant.
Genome position (GRCh38, 1-based): chr6:56,487,227, G>A on the plus strand (C>T on the coding strand, the complement: DST is on the minus strand). VCF-style: chr6-56487227-G-A. GRCh37 (hg19) VCF-style: chr6-56352025-G-A.
Other names: c.14567C>T (NM_001144769.2); c.14567C>T, p.Thr4856Ile (NM_001144769.5); c.14153C>T, p.Thr4718Ile (NM_001144770.2); c.20924C>T, p.Thr6975Ile (NM_001374722.1); c.19964C>T, p.Thr6655Ile (NM_001374729.1); c.13706C>T, p.Thr4569Ile (NM_001374730.1); c.20951C>T, p.Thr6984Ile (NM_001374734.1); c.13055C>T, p.Thr4352Ile (NM_015548.5); and 1 more; short protein forms T4718I, T4352I, T4856I, T6655I, T4678I, T6975I, T4569I, T6984I.
Identifiers: ClinVar variation 969302 (VCV000969302.7), dbSNP rs775114465, ClinGen allele CA3866622.

ClinVar aggregate classification (germline): Uncertain significance. Review status: criteria provided, multiple submitters, no conflicts (2 of 4 stars). 2 submissions from 2 submitters: Uncertain significance (2). Last evaluated 2024-01-22.

Conditions:
Inborn genetic diseases. Identifiers: MedGen C0950123, MeSH D030342.
Epidermolysis bullosa simplex 3, localized or generalized intermediate, with BP230 deficiency (EBS3). Also called: Epidermolysis bullosa simplex, autosomal recessive 2; Epidermolysis bullosa simplex due to BP230 deficiency. Identifiers: Orphanet 412181, MedGen C3809470, MONDO:0014180, OMIM 615425.
Hereditary sensory and autonomic neuropathy type 6. Also called: Neuropathy, hereditary sensory and autonomic, type VI; HSAN VI. Identifiers: Orphanet 314381, MedGen C3539003, MONDO:0013839, OMIM 614653.

Allele frequency attached by ClinVar (database versions not stated): ExAC 0.00001; gnomAD exomes 0.00001; gnomAD 0.00004; TOPMed 0.00008.
gnomAD v4.1: 13 of 1,611,852 alleles (0.00081%); highest among the groups gnomAD compares: Admixed American, 0.017%; no homozygotes.

Submissions (2):

Labcorp Genetics (formerly Invitae), Labcorp
Classification: Uncertain significance for Epidermolysis bullosa simplex 3, localized or generalized intermediate, with BP230 deficiency; Hereditary sensory and autonomic neuropathy type 6. Last evaluated: 2024-01-22. Review status: criteria provided, single submitter. Criteria: Invitae Variant Classification Sherloc (09022015). Collection method: clinical testing. Allele origin: germline.
Comment: The DST gene has multiple clinically relevant transcripts. This variant occurs in alternate transcript NM_015548.4, and corresponds to NM_001723.5:c.*128290C>T in the primary transcript. This sequence change replaces threonine, which is neutral and polar, with isoleucine, which is neutral and non-polar, at codon 4352 of the DST protein (p.Thr4352Ile). The frequency data for this variant in the population databases is considered unreliable, as metrics indicate poor data quality at this position in the gnomAD database. This variant has not been reported in the literature in individuals affected with DST-related conditions. ClinVar contains an entry for this variant (Variation ID: 969302). Experimental studies and prediction algorithms are not available or were not evaluated, and the functional significance of this variant is currently unknown. In summary, the available evidence is currently insufficient to determine the role of this variant in disease. Therefore, it has been classified as a Variant of Uncertain Significance.

Ambry Genetics
Classification: Uncertain significance for Inborn genetic diseases. Last evaluated: 2023-01-09. Review status: criteria provided, single submitter. Criteria: Ambry Variant Classification Scheme 2023. Collection method: clinical testing. Allele origin: germline.